The following is an entry in ClinVar:

ClinVar aggregate classification (germline): Uncertain significance. Review status: criteria provided, multiple submitters, no conflicts (2 of 4 stars). 2 submissions from 2 submitters: Uncertain significance (2). Last evaluated 2022-05-06.

Conditions:
Nephronophthisis 16 (NPHP16). Identifiers: Orphanet 655, MedGen C3809320, MONDO:0014158, OMIM 615382.

Allele frequency attached by ClinVar (database versions not stated): ExAC 0.00002; TOPMed 0.00002.
gnomAD v4.1: 3 of 1,523,696 alleles (0.0002%); highest among the groups gnomAD compares: Admixed American, 0.002%; no homozygotes.

Submissions (2):

Fulgent Genetics
Classification: Uncertain significance for Nephronophthisis 16. Last evaluated: 2022-05-06. Review status: criteria provided, single submitter. Criteria: ACMG Guidelines, 2015. Collection method: clinical testing. Allele origin: unknown.

Labcorp Genetics (formerly Invitae), Labcorp
Classification: Uncertain significance for Nephronophthisis 16. Last evaluated: 2020-10-25. Review status: criteria provided, single submitter. Criteria: Invitae Variant Classification Sherloc (09022015). Collection method: clinical testing. Allele origin: germline.
Comment: This sequence change replaces phenylalanine with leucine at codon 305 of the ANKS6 protein (p.Phe305Leu). The phenylalanine residue is moderately conserved and there is a small physicochemical difference between phenylalanine and leucine. In summary, the available evidence is currently insufficient to determine the role of this variant in disease. Therefore, it has been classified as a Variant of Uncertain Significance. Algorithms developed to predict the effect of missense changes on protein structure and function (SIFT, PolyPhen-2, Align-GVGD) all suggest that this variant is likely to be tolerated, but these predictions have not been confirmed by published functional studies and their clinical significance is uncertain. This variant has not been reported in the literature in individuals with ANKS6-related conditions. This variant is present in population databases (rs765738085, ExAC 0.02%).

NM_173551.5(ANKS6):c.915C>A (p.Phe305Leu)

Gene: ANKS6 (ankyrin repeat and sterile alpha motif domain containing 6; minus strand). Cytogenetic location: 9q22.33.
Variant type: single nucleotide variant.
Coding change: c.915C>A on transcript NM_173551.5 (MANE Select); coding-DNA position 915, C replaced by A.
Protein change: p.Phe305Leu; replaces phenylalanine 305 with leucine.
Molecular consequence: missense variant.
Genome position (GRCh38, 1-based): chr9:98,784,150, G>T on the plus strand (C>A on the coding strand, the complement: ANKS6 is on the minus strand). VCF-style: chr9-98784150-G-T. GRCh37 (hg19) VCF-style: chr9-101546432-G-T.
Other names: short protein forms F305L.
Identifiers: ClinVar variation 1041443 (VCV001041443.9), dbSNP rs765738085, ClinGen allele CA5153678.
Genomic context (GRCh38, chr9:98,784,150, plus strand): 5'-GTCCCCATTGACCAAGTTCACGTGGCTGGGGTCTTCATCGGCAATCTCTTTGACCAGCTG[G>T]AAGTTTCCTGCAAACACAAGCAGGAGTCCGGGTGAACTGTGGGCCTGGTACCATAGGCTG-3'
Protein context (NP_775822.3, residues 295-315): DIFHALKMGN[Phe305Leu]QLVKEIADED